The following is an entry in ClinVar:

ClinVar aggregate classification (germline): Uncertain significance (1 of 4 stars; one submission).

Allele frequency attached by ClinVar (database versions not stated): gnomAD exomes below 0.00001; gnomAD 0.00001; TOPMed 0.00001.
gnomAD v4.1: 3 of 1,614,064 alleles (0.00019%); highest among the groups gnomAD compares: East Asian, 0.0067%; no homozygotes.

Submission:

Labcorp Genetics (formerly Invitae), Labcorp
Classification: Uncertain significance. Last evaluated: 2023-08-22. Review status: criteria provided, single submitter. Criteria: Invitae Variant Classification Sherloc (09022015). Collection method: clinical testing. Allele origin: germline.
Comment: This sequence change replaces histidine, which is basic and polar, with tyrosine, which is neutral and polar, at codon 1118 of the ADAMTS18 protein (p.His1118Tyr). In summary, the available evidence is currently insufficient to determine the role of this variant in disease. Therefore, it has been classified as a Variant of Uncertain Significance. An algorithm developed to predict the effect of missense changes on protein structure and function (PolyPhen-2) suggests that this variant is likely to be tolerated. This variant has not been reported in the literature in individuals affected with ADAMTS18-related conditions. This variant is present in population databases (no rsID available, gnomAD 0.02%).

NM_199355.4(ADAMTS18):c.3352C>T (p.His1118Tyr)

Gene: ADAMTS18 (ADAM metallopeptidase with thrombospondin type 1 motif 18; minus strand). Cytogenetic location: 16q23.1.
Variant type: single nucleotide variant.
Coding change: c.3352C>T on transcript NM_199355.4 (MANE Select); coding-DNA position 3352, C replaced by T.
Protein change: p.His1118Tyr; replaces histidine 1118 with tyrosine.
Molecular consequence: missense variant.
Genome position (GRCh38, 1-based): chr16:77,291,316, G>A on the plus strand (C>T on the coding strand, the complement: ADAMTS18 is on the minus strand). VCF-style: chr16-77291316-G-A. GRCh37 (hg19) VCF-style: chr16-77325213-G-A.
Other names: c.2836C>T, p.His946Tyr (NM_001326358.2); short protein forms H946Y, H1118Y.
Identifiers: ClinVar variation 3019629 (VCV003019629.3), dbSNP rs1189841210, ClinGen allele CA396831778.